The following is an entry in ClinVar:

ClinVar aggregate classification (germline): Uncertain significance (1 of 4 stars; one submission).

Submission:

Ambry Genetics
Classification: Uncertain significance. Last evaluated: 2026-06-09. Review status: criteria provided, single submitter. Criteria: Ambry Variant Classification Scheme 2023. Collection method: clinical testing. Allele origin: germline.
Comment: The p.H201Y variant (also known as c.601C>T), located in coding exon 1 of the CDK12 gene, results from a C to T substitution at nucleotide position 601. The histidine at codon 201 is replaced by tyrosine, an amino acid with similar properties. This amino acid position is conserved. In addition, this alteration is predicted to be tolerated by in silico analysis. Based on the available evidence, the clinical significance of this variant remains unclear.

NM_016507.4(CDK12):c.601C>T (p.His201Tyr)

Genes: CDK12 (cyclin dependent kinase 12; plus strand), LOC126862553 (CDK7 strongly-dependent group 2 enhancer GRCh37_chr17:37618166-37619365; plus strand). Cytogenetic location: 17q12.
Variant type: single nucleotide variant.
Coding change: c.601C>T on transcript NM_016507.4 (MANE Select); coding-DNA position 601, C replaced by T.
Protein change: p.His201Tyr; replaces histidine 201 with tyrosine.
Molecular consequence: missense variant.
Genome position (GRCh38, 1-based): chr17:39,462,672, C>T. VCF-style: chr17-39462672-C-T. GRCh37 (hg19) VCF-style: chr17-37618925-C-T.
Other names: c.601C>T, p.His201Tyr (NM_015083.4); short protein forms H201Y.
Identifiers: ClinVar variation 4868584 (VCV004868584.1).